The following is an entry in ClinVar:

ClinVar aggregate classification (germline): Likely pathogenic (1 of 4 stars; one submission).

Conditions:
Primary ciliary dyskinesia. Also called: Ciliary dyskinesia. Identifiers: Orphanet 244, MedGen C0008780, MONDO:0016575, HP:0012265.

Allele frequency attached by ClinVar (database versions not stated): gnomAD 0.00001; TOPMed 0.00001.
gnomAD v4.1: 1 of 1,613,954 alleles (0.000062%); highest among the groups gnomAD compares: African/African-American, 0.0013%; no homozygotes.

Submission:

Labcorp Genetics (formerly Invitae), Labcorp
Classification: Likely pathogenic for Primary ciliary dyskinesia. Last evaluated: 2022-08-19. Review status: criteria provided, single submitter. Criteria: Invitae Variant Classification Sherloc (09022015). Collection method: clinical testing. Allele origin: germline.
Comment: This sequence change affects a donor splice site in intron 4 of the DNAI1 gene. It is expected to disrupt RNA splicing. Variants that disrupt the donor or acceptor splice site typically lead to a loss of protein function (PMID: 16199547), and loss-of-function variants in DNAI1 are known to be pathogenic (PMID: 16858015, 29363216). This variant is not present in population databases (gnomAD no frequency). This variant has not been reported in the literature in individuals affected with DNAI1-related conditions. ClinVar contains an entry for this variant (Variation ID: 1525375). Algorithms developed to predict the effect of sequence changes on RNA splicing suggest that this variant may disrupt the consensus splice site. In summary, the currently available evidence indicates that the variant is pathogenic, but additional data are needed to prove that conclusively. Therefore, this variant has been classified as Likely Pathogenic.

Literature cited by the submitters: PubMed 16199547; PubMed 16858015; PubMed 29363216.

NM_012144.4(DNAI1):c.261+2T>G

Gene: DNAI1 (dynein axonemal intermediate chain 1; plus strand). Cytogenetic location: 9p13.3.
Variant type: single nucleotide variant.
Coding change: c.261+2T>G on transcript NM_012144.4 (MANE Select); the canonical splice donor site of the intron after coding-DNA position 261, T replaced by G.
Molecular consequence: splice donor variant.
Genome position (GRCh38, 1-based): chr9:34,485,519, T>G. VCF-style: chr9-34485519-T-G. GRCh37 (hg19) VCF-style: chr9-34485517-T-G.
Other names: c.261+2T>G (NM_001281428.2).
Identifiers: ClinVar variation 1525375 (VCV001525375.6), dbSNP rs1266767011, ClinGen allele CA373242777.